The following is an entry in ClinVar:

NM_032119.4(ADGRV1):c.787G>A (p.Val263Met)

Gene: ADGRV1 (adhesion G protein-coupled receptor V1; plus strand). Cytogenetic location: 5q14.3.
Variant type: single nucleotide variant.
Coding change: c.787G>A on transcript NM_032119.4 (MANE Select); coding-DNA position 787, G replaced by A.
Protein change: p.Val263Met; replaces valine 263 with methionine.
Molecular consequence: missense variant. On other transcripts: non-coding transcript variant (1).
Genome position (GRCh38, 1-based): chr5:90,627,325, G>A. VCF-style: chr5-90627325-G-A. GRCh37 (hg19) VCF-style: chr5-89923142-G-A.
Other names: short protein forms V263M.
Identifiers: ClinVar variation 179689 (VCV000179689.11), dbSNP rs727505056, ClinGen allele CA184940.

ClinVar aggregate classification (germline): Conflicting classifications of pathogenicity. Review status: criteria provided, conflicting classifications (1 of 4 stars). 5 submissions from 5 submitters: Uncertain significance (4); Likely benign (1). Last evaluated 2025-11-06.

Conditions:
Inborn genetic diseases. Identifiers: MedGen C0950123, MeSH D030342.

Allele frequency attached by ClinVar (database versions not stated): gnomAD 0.00002; TOPMed 0.00002.

Submissions (5):

Women's Health and Genetics/Laboratory Corporation of America, LabCorp
Classification: Uncertain significance. Last evaluated: 2025-11-06. Review status: criteria provided, single submitter. Criteria: LabCorp Variant Classification Summary - May 2015. Collection method: clinical testing. Allele origin: germline.
Comment: Variant summary: ADGRV1 c.787G>A (p.Val263Met) results in a conservative amino acid change in the encoded protein sequence. Algorithms developed to predict the effect of missense changes on protein structure and function are either unavailable or do not agree on the potential impact of this missense change. The variant allele was found at a frequency of 3.2e-05 in 248958 control chromosomes. The available data on variant occurrences in the general population are insufficient to allow any conclusion about variant significance. To our knowledge, no occurrence of c.787G>A in individuals affected with ADGRV1-related conditions and no experimental evidence demonstrating its impact on protein function have been reported. ClinVar contains an entry for this variant (Variation ID: 179689). Based on the evidence outlined above, the variant was classified as uncertain significance.

Labcorp Genetics (formerly Invitae), Labcorp
Classification: Likely benign. Last evaluated: 2025-07-30. Review status: criteria provided, single submitter. Criteria: Invitae Variant Classification Sherloc (09022015). Collection method: clinical testing. Allele origin: germline.

Ambry Genetics
Classification: Uncertain significance for Inborn genetic diseases. Last evaluated: 2024-09-10. Review status: criteria provided, single submitter. Criteria: Ambry Variant Classification Scheme 2023. Collection method: clinical testing. Allele origin: germline.

GeneDx
Classification: Uncertain significance. Last evaluated: 2023-02-01. Review status: criteria provided, single submitter. Criteria: GeneDx Variant Classification Process June 2021. Collection method: clinical testing. Allele origin: germline. Affected: yes.
Comment: In silico analysis supports that this missense variant does not alter protein structure/function; Has not been previously published as pathogenic or benign to our knowledge

Laboratory for Molecular Medicine, Mass General Brigham Personalized Medicine
Classification: Uncertain significance. Last evaluated: 2018-01-09. Review status: criteria provided, single submitter. Criteria: LMM Criteria. Collection method: clinical testing. Allele origin: germline. Observed: 2 variant alleles.
Comment: The Val263Met variant has also been identified in 7/34408 Latino chromosomes by the Genome Aggregation Database (gnomAD; dbSNP rs727505056). Although this va riant has been seen in the general population, its frequency is not high enough to rule out a pathogenic role. Computational prediction tools and conservation a nalyses do not provide strong support for or against an impact to the protein. I n summary, the clinical significance of the p.Val263Met variant is uncertain. A CMG/AMP Criteria applied: none.